The following is an entry in ClinVar:

NM_001164508.2(NEB):c.3373G>C (p.Glu1125Gln)

Gene: NEB (nebulin; minus strand). Cytogenetic location: 2q23.3.
Variant type: single nucleotide variant.
Coding change: c.3373G>C on transcript NM_001164508.2 (MANE Select); coding-DNA position 3373, G replaced by C.
Protein change: p.Glu1125Gln; replaces glutamic acid 1125 with glutamine.
Molecular consequence: missense variant.
Genome position (GRCh38, 1-based): chr2:151,678,070, C>G on the plus strand (G>C on the coding strand, the complement: NEB is on the minus strand). VCF-style: chr2-151678070-C-G. GRCh37 (hg19) VCF-style: chr2-152534584-C-G.
Other names: c.3373G>C, p.Glu1125Gln (NM_001164507.2, NM_001271208.2, NM_004543.5); short protein forms E1125Q.
Identifiers: ClinVar variation 257809 (VCV000257809.5), dbSNP rs757784515, ClinGen allele CA1910923.

ClinVar aggregate classification (germline): Conflicting classifications of pathogenicity. Review status: criteria provided, conflicting classifications (1 of 4 stars). 2 submissions from 2 submitters: Uncertain significance (1); Likely benign (1). Last evaluated 2022-07-13.

Conditions:
Nemaline myopathy 2 (NEM2). Also called: Nemaline myopathy 2, autosomal recessive. Identifiers: MedGen C1850569, MONDO:0009725, OMIM 256030.

Allele frequency attached by ClinVar (database versions not stated): gnomAD 0.00001; gnomAD exomes below 0.00001; TOPMed below 0.00001; ExAC 0.00001.
gnomAD v4.1: 3 of 1,613,756 alleles (0.00019%); highest among the groups gnomAD compares: Non-Finnish European, 0.00025%; no homozygotes.

Submissions (2):

Labcorp Genetics (formerly Invitae), Labcorp
Classification: Uncertain significance for Nemaline myopathy 2. Last evaluated: 2022-07-13. Review status: criteria provided, single submitter. Criteria: Invitae Variant Classification Sherloc (09022015). Collection method: clinical testing. Allele origin: germline.
Comment: This sequence change replaces glutamic acid, which is acidic and polar, with glutamine, which is neutral and polar, at codon 1125 of the NEB protein (p.Glu1125Gln). This variant is present in population databases (rs757784515, gnomAD 0.0009%). This variant has not been reported in the literature in individuals affected with NEB-related conditions. ClinVar contains an entry for this variant (Variation ID: 257809). Algorithms developed to predict the effect of missense changes on protein structure and function are either unavailable or do not agree on the potential impact of this missense change (SIFT: "Deleterious"; PolyPhen-2: "Not Available"; Align-GVGD: "Class C0"). In summary, the available evidence is currently insufficient to determine the role of this variant in disease. Therefore, it has been classified as a Variant of Uncertain Significance.

PreventionGenetics, part of Exact Sciences
Classification: Likely benign. Review status: criteria provided, single submitter. Criteria: ACMG Guidelines, 2015. Collection method: clinical testing. Allele origin: germline.